The following is an entry in ClinVar:

NM_022081.6(HPS4):c.469T>C (p.Phe157Leu)

Gene: HPS4 (HPS4 biogenesis of lysosomal organelles complex 3 subunit 2; minus strand). Cytogenetic location: 22q12.1.
Variant type: single nucleotide variant.
Coding change: c.469T>C on transcript NM_022081.6 (MANE Select); coding-DNA position 469, T replaced by C.
Protein change: p.Phe157Leu; replaces phenylalanine 157 with leucine.
Molecular consequence: missense variant. On other transcripts: non-coding transcript variant (8).
Genome position (GRCh38, 1-based): chr22:26,472,334, A>G on the plus strand (T>C on the coding strand, the complement: HPS4 is on the minus strand). VCF-style: chr22-26472334-A-G. GRCh37 (hg19) VCF-style: chr22-26868300-A-G.
Other names: c.469T>C, p.Phe157Leu (NM_001349896.1, NM_001349898.2, NM_001349899.2 and 6 more transcripts); c.454T>C, p.Phe152Leu (NM_152841.2); c.469T>C (NM_022081.4); short protein forms F152L, F157L.
Identifiers: ClinVar variation 1441433 (VCV001441433.5), dbSNP rs753375046, ClinGen allele CA10163699.

ClinVar aggregate classification (germline): Uncertain significance. Review status: criteria provided, multiple submitters, no conflicts (2 of 4 stars). 3 submissions from 3 submitters: Uncertain significance (3). Last evaluated 2025-04-13.

Conditions:
Inborn genetic diseases. Identifiers: MedGen C0950123, MeSH D030342.

Allele frequency attached by ClinVar (database versions not stated): gnomAD exomes below 0.00001; ExAC 0.00001; gnomAD 0.00001; TOPMed 0.00001.
gnomAD v4.1: 3 of 1,612,910 alleles (0.00019%); highest among the groups gnomAD compares: Admixed American, 0.0033%; no homozygotes.

Submissions (3):

Ambry Genetics
Classification: Uncertain significance for Inborn genetic diseases. Last evaluated: 2025-04-13. Review status: criteria provided, single submitter. Criteria: Ambry Variant Classification Scheme 2023. Collection method: clinical testing. Allele origin: germline.

Women's Health and Genetics/Laboratory Corporation of America, LabCorp
Classification: Uncertain significance. Last evaluated: 2022-08-30. Review status: criteria provided, single submitter. Criteria: LabCorp Variant Classification Summary - May 2015. Collection method: clinical testing. Allele origin: germline.

Labcorp Genetics (formerly Invitae), Labcorp
Classification: Uncertain significance. Last evaluated: 2022-07-16. Review status: criteria provided, single submitter. Criteria: Invitae Variant Classification Sherloc (09022015). Collection method: clinical testing. Allele origin: germline.
Comment: This sequence change replaces phenylalanine, which is neutral and non-polar, with leucine, which is neutral and non-polar, at codon 157 of the HPS4 protein (p.Phe157Leu). This variant is present in population databases (rs753375046, gnomAD 0.003%). This variant has not been reported in the literature in individuals affected with HPS4-related conditions. ClinVar contains an entry for this variant (Variation ID: 1441433). Algorithms developed to predict the effect of missense changes on protein structure and function are either unavailable or do not agree on the potential impact of this missense change (SIFT: "Deleterious"; PolyPhen-2: "Possibly Damaging"; Align-GVGD: "Class C15"). In summary, the available evidence is currently insufficient to determine the role of this variant in disease. Therefore, it has been classified as a Variant of Uncertain Significance.